The following is an entry in ClinVar:

ClinVar aggregate classification (germline): Conflicting classifications of pathogenicity. Review status: criteria provided, conflicting classifications (1 of 4 stars). 11 submissions from 11 submitters: Uncertain significance (4); Likely benign (5). 2 of the submissions do not count toward it. Last evaluated 2026-01-04.

Conditions:
BRCA2-related cancer predisposition. Identifiers: MedGen CN377758, MONDO:0700269.
Hereditary cancer-predisposing syndrome. Also called: Hereditary Cancer Syndrome; Tumor predisposition; Neoplastic Syndromes, Hereditary; Hereditary neoplastic syndrome. Identifiers: Orphanet 140162, MedGen C0027672, MeSH D009386, MONDO:0015356.
Hereditary breast ovarian cancer syndrome. Also called: Breast and ovarian cancer; BRCA1- and BRCA2-Associated Hereditary Breast and Ovarian Cancer; Hereditary breast and ovarian cancer; Hereditary breast and ovarian cancer syndrome (HBOC); Hereditary breast and ovarian cancer syndrome; Hereditary breast and/or ovarian cancer syndrome. Identifiers: Orphanet 145, MedGen C0677776, MeSH D061325, MONDO:0003582. Disease mechanism: loss of function.
Breast-ovarian cancer, familial, susceptibility to, 2 (BROVCA2). Also called: BRCA2 Hereditary Breast and Ovarian Cancer. Identifiers: Orphanet 145, MedGen C2675520, MONDO:0012933, OMIM 612555. Disease mechanism: loss of function.

Allele frequency attached by ClinVar (database versions not stated): gnomAD exomes 0.00001.
gnomAD v4.1: 8 of 1,614,192 alleles (0.0005%); highest among the groups gnomAD compares: Non-Finnish European, 0.00068%; no homozygotes.

Submissions (11):

Women's Health and Genetics/Laboratory Corporation of America, LabCorp
Classification: Uncertain significance. Last evaluated: 2026-01-04. Review status: criteria provided, single submitter. Criteria: LabCorp Variant Classification Summary - May 2015. Collection method: clinical testing. Allele origin: germline.
Comment: Variant summary: BRCA2 c.10120A>G (p.Thr3374Ala) results in a non-conservative amino acid change in the encoded protein sequence. Algorithms developed to predict the effect of missense changes on protein structure and function are either unavailable or do not agree on the potential impact of this missense change. The variant allele was found at a frequency of 4e-06 in 251266 control chromosomes. The available data on variant occurrences in the general population are insufficient to allow any conclusion about variant significance. To our knowledge, no occurrence of c.10120A>G in individuals affected with BRCA2-related conditions and no experimental evidence demonstrating its impact on protein function have been reported. ClinVar contains an entry for this variant (Variation ID: 51046). Based on the evidence outlined above, the variant was classified as uncertain significance.

Labcorp Genetics (formerly Invitae), Labcorp
Classification: Likely benign for Hereditary breast ovarian cancer syndrome. Last evaluated: 2026-01-01. Review status: criteria provided, single submitter. Criteria: Invitae Variant Classification Sherloc (09022015). Collection method: clinical testing. Allele origin: germline.

Department of Pathology and Laboratory Medicine, Sinai Health System
Classification: Uncertain significance for BRCA2-related cancer predisposition. Last evaluated: 2023-06-19. Review status: criteria provided, single submitter. Criteria: ACMG Guidelines, 2015. Collection method: clinical testing. Allele origin: germline. Affected: yes.

Quest Diagnostics Nichols Institute San Juan Capistrano
Classification: Uncertain significance. Last evaluated: 2023-04-17. Review status: criteria provided, single submitter. Criteria: Quest Diagnostics criteria. Collection method: clinical testing. Allele origin: unknown.
Comment: The frequency of this variant in the general population, 0.000004 (1/251266 chromosomes), is uninformative in assessment of its pathogenicity. In the published literature, the variant has been reported in a single hereditary breast and ovarian cancer family with individuals with bilateral breast cancer history (PMID: 12955716 (2003)). Analysis of this variant using bioinformatics tools for the prediction of the effect of amino acid changes on protein structure and function yielded predictions that this variant is benign. Based on the available information, we are unable to determine the clinical significance of this variant.

All of Us Research Program, National Institutes of Health
Classification: Likely benign for Breast-ovarian cancer, familial, susceptibility to, 2. Last evaluated: 2023-02-24. Review status: criteria provided, single submitter. Criteria: ACMG Guidelines, 2015. Collection method: clinical testing. Allele origin: germline. Inheritance: Autosomal dominant inheritance. Observed: 1 variant allele, 1 heterozygote.
Comment: This study involves interpretation of variants in research participants for the purpose of population health screening. Participant phenotype was not available at the time of variant classification. Additional details can be found in publication PMID: 35346344, PMCID: PMC8962531

Sema4
Classification: Uncertain significance for Hereditary cancer-predisposing syndrome. Last evaluated: 2022-02-16. Review status: criteria provided, single submitter. Criteria: Sema4 Curation Guidelines. Collection method: curation. Allele origin: germline.
Comment: The BRCA2 c.10120A>G (p.T3374A) variant has been reported in heterozygosity in at least 2 individuals with female breast cancer (PMID: 12955716). It was observed in 1/251266 chromosomes across all populations, in the large and broad cohorts of the Genome Aggregation Database (PMID: 32461654). This variant has been reported in ClinVar (Variation ID: 51046). In silico tools suggest the impact of the variant on protein function is benign, though these predictions have not been confirmed by functional studies. The evidence is insufficient to meet ACMG/AMP criteria for classifying the variant as benign or pathogenic. Thus, the clinical significance of this variant is currently uncertain.

Ambry Genetics
Classification: Likely benign for Hereditary cancer-predisposing syndrome. Last evaluated: 2021-09-23. Review status: criteria provided, single submitter. Criteria: Ambry Variant Classification Scheme 2023. Collection method: clinical testing. Allele origin: germline.

CeGaT Center for Human Genetics Tuebingen
Classification: Likely benign. Last evaluated: 2021-06-01. Review status: criteria provided, single submitter. Criteria: CeGaT Center For Human Genetics Tuebingen Variant Classification Criteria Version 2. Collection method: clinical testing. Allele origin: germline. Affected: yes. Observed: 1 variant allele.

Color Diagnostics, LLC DBA Color Health
Classification: Likely benign for Hereditary cancer-predisposing syndrome. Last evaluated: 2017-02-17. Review status: criteria provided, single submitter. Criteria: ACMG Guidelines, 2015. Collection method: clinical testing. Allele origin: germline.

Counsyl
Classification: Uncertain significance for Breast-ovarian cancer, familial, susceptibility to, 2. Last evaluated: 2016-05-23. Review status: no assertion criteria provided. Collection method: clinical testing. Allele origin: unknown. Not counted in ClinVar's aggregate classification.

Breast Cancer Information Core (BIC) (BRCA2)
Classification: Uncertain significance for Breast-ovarian cancer, familial 2. Last evaluated: 2004-02-20. Review status: no assertion criteria provided. Collection method: clinical testing. Allele origin: germline. Affected: yes. Observed: 3 variant alleles. Not counted in ClinVar's aggregate classification.

Literature cited by the submitters: PubMed 12955716 (cited by 4 submitters); PubMed 17924331 (cited by 3 submitters); PubMed 31131967 (cited by Quest Diagnostics Nichols Institute San Juan Capistrano and Ambry Genetics); PubMed 24817641 (cited by Counsyl); PubMed 25451944 (cited by Counsyl).

NM_000059.4(BRCA2):c.10120A>G (p.Thr3374Ala)

Gene: BRCA2 (BRCA2 DNA repair associated; plus strand). Cytogenetic location: 13q13.1.
Variant type: single nucleotide variant.
Coding change: c.10120A>G on transcript NM_000059.4 (MANE Select); coding-DNA position 10120, A replaced by G.
Protein change: p.Thr3374Ala; replaces threonine 3374 with alanine.
Molecular consequence: missense variant.
Genome position (GRCh38, 1-based): chr13:32,398,633, A>G. VCF-style: chr13-32398633-A-G. GRCh37 (hg19) VCF-style: chr13-32972770-A-G.
Other names: short protein forms T3374A.
Identifiers: ClinVar variation 51046 (VCV000051046.58), dbSNP rs80358395, ClinGen allele CA010315.
Genomic context (GRCh38, chr13:32,398,633, plus strand): 5'-TCTGGTTCAACAGGAGAAAAACAATTTATATCTGTCAGTGAATCCACTAGGACTGCTCCC[A>G]CCAGTTCAGAAGATTATCTCAGACTGAAACGACGTTGTACTACATCTCTGATCAAAGAAC-3'
Protein context (NP_000050.3, residues 3364-3384): SVSESTRTAP[Thr3374Ala]SSEDYLRLKR